The following is an entry in ClinVar:

ClinVar aggregate classification (germline): Uncertain significance (1 of 4 stars; one submission).

gnomAD v4.1: 3 of 1,614,070 alleles (0.00019%); highest among the groups gnomAD compares: Admixed American, 0.005%; no homozygotes.

Submission:

GeneDx
Classification: Uncertain significance. Last evaluated: 2025-01-27. Review status: criteria provided, single submitter. Criteria: GeneDx Variant Classification Process June 2021. Collection method: clinical testing. Allele origin: germline.
Comment: In silico analysis indicates that this missense variant does not alter protein structure/function; Has not been previously published as pathogenic or benign to our knowledge

NM_004086.3(COCH):c.1211C>T (p.Ala404Val)

Genes: COCH (cochlin; plus strand), COCH-AS1 (COCH antisense RNA 1; minus strand). Cytogenetic location: 14q12.
Variant type: single nucleotide variant.
Coding change: c.1211C>T on transcript NM_004086.3 (MANE Select); coding-DNA position 1211, C replaced by T.
Protein change: p.Ala404Val; replaces alanine 404 with valine.
Molecular consequence: missense variant. On other transcripts: non-coding transcript variant (1).
Genome position (GRCh38, 1-based): chr14:30,886,046, C>T. VCF-style: chr14-30886046-C-T. GRCh37 (hg19) VCF-style: chr14-31355252-C-T.
Other names: c.1211C>T, p.Ala404Val (NM_001135058.2); c.1406C>T, p.Ala469Val (NM_001347720.2); short protein forms A404V, A469V.
Identifiers: ClinVar variation 3364841 (VCV003364841.2).